The following is an entry in ClinVar:

NM_015100.4(POGZ):c.4102A>T (p.Thr1368Ser)

Gene: POGZ (pogo transposable element derived with ZNF domain; minus strand). Cytogenetic location: 1q21.3.
Variant type: single nucleotide variant.
Coding change: c.4102A>T on transcript NM_015100.4 (MANE Select); coding-DNA position 4102, A replaced by T.
Protein change: p.Thr1368Ser; replaces threonine 1368 with serine.
Molecular consequence: missense variant.
Genome position (GRCh38, 1-based): chr1:151,404,933, T>A on the plus strand (A>T on the coding strand, the complement: POGZ is on the minus strand). VCF-style: chr1-151404933-T-A. GRCh37 (hg19) VCF-style: chr1-151377409-T-A.
Other names: c.4075A>T, p.Thr1359Ser (NM_001194937.2); c.3916A>T, p.Thr1306Ser (NM_001194938.2); c.3817A>T, p.Thr1273Ser (NM_145796.4); c.3943A>T, p.Thr1315Ser (NM_207171.2); short protein forms T1273S, T1306S, T1315S, T1359S, T1368S.
Identifiers: ClinVar variation 1306520 (VCV001306520.2), dbSNP rs1557862151, ClinGen allele CA341934381.

ClinVar aggregate classification (germline): Uncertain significance (1 of 4 stars; one submission).

Submission:

GeneDx
Classification: Uncertain significance. Last evaluated: 2019-06-24. Review status: criteria provided, single submitter. Criteria: GeneDx Variant Classification Process June 2021. Collection method: clinical testing. Allele origin: germline. Affected: yes.
Comment: Has not been previously published as pathogenic or benign to our knowledge; Not observed in large population cohorts (Lek et al., 2016); In silico analysis, which includes splice predictors and evolutionary conservation, suggests this variant may impact gene splicing. In the absence of RNA/functional studies, the actual effect of this sequence change is unknown.; In silico predictors and evolutionary conservation suggest the missense change does not alter protein structure/function